The following is an entry in ClinVar:

ClinVar aggregate classification (germline): Uncertain significance. Review status: criteria provided, multiple submitters, no conflicts (2 of 4 stars). 4 submissions from 4 submitters: Uncertain significance (4). Last evaluated 2025-03-04.

Conditions:
Hereditary cancer-predisposing syndrome. Also called: Hereditary Cancer Syndrome; Tumor predisposition; Neoplastic Syndromes, Hereditary; Hereditary neoplastic syndrome. Identifiers: Orphanet 140162, MedGen C0027672, MeSH D009386, MONDO:0015356.
Gastrointestinal stromal tumor. Also called: Gastrointestinal stromal tumor, somatic; Gastrointestinal stroma tumor. Identifiers: Orphanet 44890, MedGen C0238198, MeSH D046152, MONDO:0011719, OMIM 606764, HP:0100723.
Pheochromocytoma/paraganglioma syndrome 3. Also called: SDHC-Related Hereditary Paraganglioma-Pheochromocytoma Syndrome (Paragangliomas 3); SDHC-Related Hereditary Paraganglioma-Pheochromocytoma Syndrome; Paragangliomas 3; GLOMUS TUMORS, FAMILIAL, 3. Identifiers: Orphanet 29072, MedGen C1854336, MONDO:0011544, OMIM 605373.
Hereditary pheochromocytoma and paraganglioma. Also called: Hereditary paragangliomas and pheochromocytomas; Hereditary Paraganglioma-Pheochromocytoma Syndromes; Hereditary pheochromocytoma-paraganglioma. Identifiers: Orphanet 29072, MedGen C4274332, MONDO:0017366.

Allele frequency attached by ClinVar (database versions not stated): ExAC 0.00001; gnomAD 0.00001 and 0.00002; TOPMed 0.00001.
gnomAD v4.1: 6 of 1,613,212 alleles (0.00037%); highest among the groups gnomAD compares: Middle Eastern, 0.016%; no homozygotes.

Submissions (4):

Center for Genomic Medicine, Rigshospitalet, Copenhagen University Hospital
Classification: Uncertain significance. Last evaluated: 2025-03-04. Review status: criteria provided, single submitter. Criteria: ACMG Guidelines, 2015. Collection method: clinical testing. Allele origin: germline.

Labcorp Genetics (formerly Invitae), Labcorp
Classification: Uncertain significance for Pheochromocytoma/paraganglioma syndrome 3; Gastrointestinal stromal tumor. Last evaluated: 2024-05-21. Review status: criteria provided, single submitter. Criteria: Invitae Variant Classification Sherloc (09022015). Collection method: clinical testing. Allele origin: germline.
Comment: This sequence change replaces arginine, which is basic and polar, with cysteine, which is neutral and slightly polar, at codon 11 of the SDHC protein (p.Arg11Cys). This variant is not present in population databases (gnomAD no frequency). This variant has not been reported in the literature in individuals affected with SDHC-related conditions. ClinVar contains an entry for this variant (Variation ID: 577853). An algorithm developed to predict the effect of missense changes on protein structure and function (PolyPhen-2) suggests that this variant¬¨‚Ä†is likely to be tolerated. In summary, the available evidence is currently insufficient to determine the role of this variant in disease. Therefore, it has been classified as a Variant of Uncertain Significance.

Ambry Genetics
Classification: Uncertain significance for Hereditary cancer-predisposing syndrome. Last evaluated: 2024-01-10. Review status: criteria provided, single submitter. Criteria: Ambry Variant Classification Scheme 2023. Collection method: clinical testing. Allele origin: germline.
Comment: The p.R11C variant (also known as c.31C>T), located in coding exon 2 of the SDHC gene, results from a C to T substitution at nucleotide position 31. The arginine at codon 11 is replaced by cysteine, an amino acid with highly dissimilar properties. This alteration was detected in a cohort of 45 Lebanese breast cancer patients undergoing whole exome sequencing (Jalkh N et al. BMC Med Genomics, 2017 02;10:8). This amino acid position is well conserved in available vertebrate species. In addition, this alteration is predicted to be deleterious by in silico analysis. Since supporting evidence is limited at this time, the clinical significance of this alteration remains unclear.

All of Us Research Program, National Institutes of Health
Classification: Uncertain significance for Hereditary pheochromocytoma and paraganglioma. Last evaluated: 2023-08-15. Review status: criteria provided, single submitter. Criteria: ACMG Guidelines, 2015. Collection method: clinical testing. Allele origin: germline. Inheritance: Autosomal dominant inheritance. Observed: 2 variant alleles, 2 heterozygotes.
Comment: This study involves interpretation of variants in research participants for the purpose of population health screening. Participant phenotype was not available at the time of variant classification. Additional details can be found in publication PMID: 35346344, PMCID: PMC8962531

Literature cited by the submitters: PubMed 28202063 (cited by Ambry Genetics).

NM_003001.5(SDHC):c.31C>T (p.Arg11Cys)

Gene: SDHC (succinate dehydrogenase complex subunit C; plus strand). Cytogenetic location: 1q23.3.
Variant type: single nucleotide variant.
Coding change: c.31C>T on transcript NM_003001.5 (MANE Select); coding-DNA position 31, C replaced by T.
Protein change: p.Arg11Cys; replaces arginine 11 with cysteine.
Molecular consequence: missense variant. On other transcripts: 5 prime UTR variant (2), non-coding transcript variant (1), intron variant (4).
Genome position (GRCh38, 1-based): chr1:161,323,624, C>T. VCF-style: chr1-161323624-C-T. GRCh37 (hg19) VCF-style: chr1-161293414-C-T.
Other names: c.31C>T, p.Arg11Cys (NM_001035511.3, NM_001035512.3, NM_001278172.3 and 2 more transcripts); c.-81C>T (NM_001407119.1); c.-199C>T (NM_001407120.1); c.21-4772C>T (NM_001407116.1, NM_001407121.1, NM_001407117.1); c.20+9199C>T (NM_001035513.3); short protein forms R11C.
Identifiers: ClinVar variation 577853 (VCV000577853.19), dbSNP rs759914119, ClinGen allele CA047542.